The following is an entry in ClinVar:

NM_001099685.3(RHOXF2B):c.244G>A (p.Gly82Ser)

Genes: RHOXF1-AS1 (RHOXF1 antisense RNA 1; plus strand), RHOXF2B (Rhox homeobox family member 2B; minus strand). Cytogenetic location: Xq24.
Variant type: single nucleotide variant.
Coding change: c.244G>A on transcript NM_001099685.3 (MANE Select); coding-DNA position 244, G replaced by A.
Protein change: p.Gly82Ser; replaces glycine 82 with serine.
Molecular consequence: missense variant.
Genome position (GRCh38, 1-based): chrX:120,077,124, C>T on the plus strand (G>A on the coding strand, the complement: RHOXF2B is on the minus strand). VCF-style: chrX-120077124-C-T. GRCh37 (hg19) VCF-style: chrX-119211089-C-T.
Other names: short protein forms G82S.
Identifiers: ClinVar variation 2661314 (VCV002661314.24), dbSNP rs781807702, ClinGen allele CA10504027.

ClinVar aggregate classification (germline): Likely benign (1 of 4 stars; one submission).

Allele frequency attached by ClinVar (database versions not stated): gnomAD exomes 0.00010; ExAC 0.00033.

Submission:

CeGaT Center for Human Genetics Tuebingen
Classification: Likely benign. Last evaluated: 2023-02-01. Review status: criteria provided, single submitter. Criteria: CeGaT Center For Human Genetics Tuebingen Variant Classification Criteria Version 2. Collection method: clinical testing. Allele origin: germline. Affected: yes. Observed: 1 variant allele.
Comment: RHOXF2B: BS2